The following is an entry in ClinVar:

ClinVar aggregate classification (germline): Uncertain significance. Review status: criteria provided, single submitter (1 of 4 stars). 2 submissions from 2 submitters: Uncertain significance (1). 1 of the submissions does not count toward it. Last evaluated 2023-08-15.

Conditions:
Inborn genetic diseases. Identifiers: MedGen C0950123, MeSH D030342.
KIDINS220-related disorder. Also called: KIDINS220-related condition.

Allele frequency attached by ClinVar (database versions not stated): gnomAD 0.00001; TOPMed 0.00001; gnomAD exomes 0.00002.

Submissions (2):

Ambry Genetics
Classification: Uncertain significance for Inborn genetic diseases. Last evaluated: 2023-08-15. Review status: criteria provided, single submitter. Criteria: Ambry Variant Classification Scheme 2023. Collection method: clinical testing. Allele origin: germline.

PreventionGenetics, part of Exact Sciences
Classification: Uncertain significance for KIDINS220-related condition. Last evaluated: 2024-06-19. Review status: no assertion criteria provided. Collection method: clinical testing. Allele origin: germline. Not counted in ClinVar's aggregate classification.
Comment: The KIDINS220 c.5254C>T variant is predicted to result in the amino acid substitution p.Leu1752Phe. To our knowledge, this variant has not been reported in the literature or in a large population database, indicating this variant is rare. At this time, the clinical significance of this variant is uncertain due to the absence of conclusive functional and genetic evidence.

NM_020738.4(KIDINS220):c.5254C>T (p.Leu1752Phe)

Gene: KIDINS220 (kinase D interacting substrate 220; minus strand). Cytogenetic location: 2p25.1.
Variant type: single nucleotide variant.
Coding change: c.5254C>T on transcript NM_020738.4 (MANE Select); coding-DNA position 5254, C replaced by T.
Protein change: p.Leu1752Phe; replaces leucine 1752 with phenylalanine.
Molecular consequence: missense variant. On other transcripts: intron variant (6).
Genome position (GRCh38, 1-based): chr2:8,730,782, G>A on the plus strand (C>T on the coding strand, the complement: KIDINS220 is on the minus strand). VCF-style: chr2-8730782-G-A. GRCh37 (hg19) VCF-style: chr2-8870912-G-A.
Other names: c.5257C>T, p.Leu1753Phe (NM_001348729.2); c.5200C>T, p.Leu1734Phe (NM_001348731.2); c.5197C>T, p.Leu1733Phe (NM_001348732.2); c.5086C>T, p.Leu1696Phe (NM_001348734.2); c.5083C>T, p.Leu1695Phe (NM_001348735.2); c.4957C>T, p.Leu1653Phe (NM_001348736.2); c.3882+2662C>T (NM_001348741.2, NM_001348742.2, NM_001348743.2); c.3996+2662C>T (NM_001348738.2); and 1 more; short protein forms L1653F, L1733F, L1752F, L1695F, L1696F, L1734F, L1753F.
Identifiers: ClinVar variation 2618564 (VCV002618564.3), dbSNP rs778296508, ClinGen allele CA42327578.